The following is an entry in ClinVar:

NM_001282534.2(KCNK9):c.900C>A (p.Thr300=)

Gene: KCNK9 (potassium two pore domain channel subfamily K member 9; minus strand). Cytogenetic location: 8q24.3.
Variant type: single nucleotide variant.
Coding change: c.900C>A on transcript NM_001282534.2 (MANE Select); coding-DNA position 900, C replaced by A.
Protein change: p.Thr300=; no amino-acid change (threonine 300 retained).
Molecular consequence: synonymous variant. On other transcripts: non-coding transcript variant (1).
Genome position (GRCh38, 1-based): chr8:139,618,483, G>T on the plus strand (C>A on the coding strand, the complement: KCNK9 is on the minus strand). VCF-style: chr8-139618483-G-T. GRCh37 (hg19) VCF-style: chr8-140630726-G-T.
Other names: c.900C>A, p.Thr300= (NM_016601.2).
Identifiers: ClinVar variation 3067447 (VCV003067447.22), dbSNP rs1455162694, ClinGen allele CA463222231.

ClinVar aggregate classification (germline): Likely benign. Review status: criteria provided, multiple submitters, no conflicts (2 of 4 stars). 2 submissions from 2 submitters: Likely benign (2). Last evaluated 2024-03-01.

Allele frequency attached by ClinVar (database versions not stated): gnomAD 0.00001.
gnomAD v4.1: 15 of 1,613,782 alleles (0.00093%); highest among the groups gnomAD compares: Middle Eastern, 0.016%; no homozygotes.

Submissions (2):

CeGaT Center for Human Genetics Tuebingen
Classification: Likely benign. Last evaluated: 2024-03-01. Review status: criteria provided, single submitter. Criteria: CeGaT Center For Human Genetics Tuebingen Variant Classification Criteria Version 2. Collection method: clinical testing. Allele origin: germline. Affected: yes. Observed: 1 variant allele.
Comment: KCNK9: BP4, BP7

Blueprint Genetics
Classification: Likely benign. Last evaluated: 2021-12-21. Review status: criteria provided, single submitter. Criteria: ACMG Guidelines, 2015. Collection method: clinical testing. Allele origin: germline.